The following is an entry in ClinVar:

ClinVar aggregate classification (germline): Conflicting classifications of pathogenicity. Review status: criteria provided, conflicting classifications (1 of 4 stars). 7 submissions from 7 submitters: Uncertain significance (3); Likely benign (4). Last evaluated 2026-09-01.

Conditions:
PLEC-related disorder. Also called: PLEC-related condition; PLEC-related disorders.
Epidermolysis bullosa simplex 5C, with pyloric atresia (EBS5C). Also called: PLEC-Related Epidermolysis Bullosa with Pyloric Atresia; PLEC1-Related Epidermolysis Bullosa with Pyloric Atresia; Epidermolysis bullosa simplex with pyloric atresia. Identifiers: Orphanet 158684, MedGen C2677349, MONDO:0012807, OMIM 612138.
Autosomal recessive limb-girdle muscular dystrophy type 2Q (LGMDR17). Also called: MUSCULAR DYSTROPHY, LIMB-GIRDLE, AUTOSOMAL RECESSIVE 17. Identifiers: Orphanet 254361, MedGen C3150989, MONDO:0013390, OMIM 613723.
Epidermolysis bullosa simplex with nail dystrophy (EBS5D). Identifiers: MedGen C4225309, MONDO:0014661, OMIM 616487.
Epidermolysis bullosa simplex, Ogna type (EBS5A). Also called: Pidermolysis bullosa simplex 5A, Ogna type; EPIDERMOLYSIS BULLOSA SIMPLEX 5A, OGNA TYPE. Identifiers: Orphanet 79401, MedGen C0432317, MONDO:0007555, OMIM 131950.
Epidermolysis bullosa simplex 5B, with muscular dystrophy (EBS5B). Also called: EPIDERMOLYSIS BULLOSA SIMPLEX AND LIMB-GIRDLE MUSCULAR DYSTROPHY; Epidermolysis bullosa simplex with muscular dystrophy. Identifiers: Orphanet 257, MedGen C2931072, MONDO:0009181, OMIM 226670.

Allele frequency attached by ClinVar (database versions not stated): 1000 Genomes Project 0.00040; gnomAD 0.00053 and 0.00054; TOPMed 0.00059; ESP Exome Variant Server 0.00060; gnomAD exomes 0.00067; ExAC 0.00075; 1000 Genomes Project 30x 0.00078.
gnomAD v4.1: 1,492 of 1,593,920 alleles (0.094%); highest among the groups gnomAD compares: Non-Finnish European, 0.11%; 4 homozygotes.

Submissions (7):

CeGaT Center for Human Genetics Tuebingen
Classification: Likely benign. Last evaluated: 2026-09-01. Review status: criteria provided, single submitter. Criteria: CeGaT Center For Human Genetics Tuebingen Variant Classification Criteria Version 2. Collection method: clinical testing. Allele origin: germline. Affected: yes. Observed: 2 variant alleles.
Comment: PLEC: BS2

Labcorp Genetics (formerly Invitae), Labcorp
Classification: Uncertain significance for Autosomal recessive limb-girdle muscular dystrophy type 2Q; Epidermolysis bullosa simplex, Ogna type; Epidermolysis bullosa simplex with nail dystrophy; Epidermolysis bullosa simplex 5C, with pyloric atresia; Epidermolysis bullosa simplex 5B, with muscular dystrophy. Last evaluated: 2026-01-26. Review status: criteria provided, single submitter. Criteria: Invitae Variant Classification Sherloc (09022015). Collection method: clinical testing. Allele origin: germline.
Comment: This sequence change replaces lysine, which is basic and polar, with asparagine, which is neutral and polar, at codon 2042 of the PLEC protein (p.Lys2042Asn). This variant is present in population databases (rs200540800, gnomAD 0.09%), and has an allele count higher than expected for a pathogenic variant. This variant has not been reported in the literature in individuals affected with PLEC-related conditions. ClinVar contains an entry for this variant (Variation ID: 471622). Experimental studies and prediction algorithms are not available or were not evaluated, and the functional significance of this variant is currently unknown. In summary, the available evidence is currently insufficient to determine the role of this variant in disease. Therefore, it has been classified as a Variant of Uncertain Significance.

Women's Health and Genetics/Laboratory Corporation of America, LabCorp
Classification: Uncertain significance. Last evaluated: 2025-09-24. Review status: criteria provided, single submitter. Criteria: LabCorp Variant Classification Summary - May 2015. Collection method: clinical testing. Allele origin: germline.
Comment: Variant summary: PLEC NM_000445 c.6126A>T (p.Lys2042Asn), also known as NM_201378 c.6003A>T p.Lys2001Asn and NM_201384 c.6045A>T p.Lys2015Asn, results in a non-conservative amino acid change in the encoded protein sequence. Algorithms developed to predict the effect of missense changes on protein structure and function are either unavailable or do not agree on the potential impact of this missense change. The variant allele was found at a frequency of 0.00067 in 216232 control chromosomes. This frequency is not significantly higher than estimated for disease-causing variants in PLEC, allowing no conclusion about variant significance. To our knowledge, no occurrence of c.6126A>T in individuals affected with PLEC-related conditions and no experimental evidence demonstrating its impact on protein function have been reported. ClinVar contains an entry for this variant (Variation ID: 471622). Based on the evidence outlined above, the variant was classified as uncertain significance.

PreventionGenetics, part of Exact Sciences
Classification: Likely benign for PLEC-related condition. Last evaluated: 2025-01-27. Review status: criteria provided, single submitter. Criteria: ACMG Guidelines, 2015. Collection method: clinical testing. Allele origin: germline.
Comment: This variant is classified as likely benign based on ACMG/AMP sequence variant interpretation guidelines (Richards et al. 2015 PMID: 25741868, with internal and published modifications).

Revvity Omics, Revvity
Classification: Uncertain significance. Last evaluated: 2024-12-05. Review status: criteria provided, single submitter. Criteria: ACMG Guidelines, 2015. Collection method: clinical testing. Allele origin: germline.

Blueprint Genetics
Classification: Likely benign. Last evaluated: 2024-11-27. Review status: criteria provided, single submitter. Criteria: ACMG Guidelines, 2015. Collection method: clinical testing. Allele origin: germline.

GeneDx
Classification: Likely benign. Last evaluated: 2020-04-13. Review status: criteria provided, single submitter. Criteria: GeneDx Variant Classification Process June 2021. Collection method: clinical testing. Allele origin: germline. Affected: yes.
Comment: Has not been previously published as pathogenic or benign to our knowledge

NM_201384.3(PLEC):c.6045A>T (p.Lys2015Asn)

Gene: PLEC (plectin; minus strand). Cytogenetic location: 8q24.3.
Variant type: single nucleotide variant.
Coding change: c.6045A>T on transcript NM_201384.3 (MANE Select); coding-DNA position 6045, A replaced by T.
Protein change: p.Lys2015Asn; replaces lysine 2015 with asparagine.
Molecular consequence: missense variant.
Genome position (GRCh38, 1-based): chr8:143,923,884, T>A on the plus strand (A>T on the coding strand, the complement: PLEC is on the minus strand). VCF-style: chr8-143923884-T-A. GRCh37 (hg19) VCF-style: chr8-144998052-T-A.
Other names: c.6126A>T, p.Lys2042Asn (NM_000445.5); c.6003A>T, p.Lys2001Asn (NM_201378.4); c.5979A>T, p.Lys1993Asn (NM_201379.3); c.6456A>T, p.Lys2152Asn (NM_201380.4); c.5949A>T, p.Lys1983Asn (NM_201381.3); c.6045A>T, p.Lys2015Asn (NM_201382.4); c.6057A>T, p.Lys2019Asn (NM_201383.3); short protein forms K2015N, K2019N, K1983N, K2042N, K1993N, K2001N, K2152N.
Identifiers: ClinVar variation 471622 (VCV000471622.31), dbSNP rs200540800, ClinGen allele CA4926128.